The following is an entry in ClinVar:

NM_080680.3(COL11A2):c.3480G>T (p.Leu1160Phe)

Gene: COL11A2 (collagen type XI alpha 2 chain; minus strand). Cytogenetic location: 6p21.32.
Variant type: single nucleotide variant.
Coding change: c.3480G>T on transcript NM_080680.3 (MANE Select); coding-DNA position 3480, G replaced by T.
Protein change: p.Leu1160Phe; replaces leucine 1160 with phenylalanine.
Molecular consequence: missense variant.
Genome position (GRCh38, 1-based): chr6:33,170,605, C>A on the plus strand (G>T on the coding strand, the complement: COL11A2 is on the minus strand). VCF-style: chr6-33170605-C-A. GRCh37 (hg19) VCF-style: chr6-33138382-C-A.
Other names: c.3159G>T, p.Leu1053Phe (NM_080679.3); c.3222G>T, p.Leu1074Phe (NM_080681.3); short protein forms L1160F, L1053F, L1074F.
Identifiers: ClinVar variation 451714 (VCV000451714.5), dbSNP rs927537693, ClinGen allele CA137064964.

ClinVar aggregate classification (germline): Uncertain significance. Review status: criteria provided, multiple submitters, no conflicts (2 of 4 stars). 2 submissions from 2 submitters: Uncertain significance (2). Last evaluated 2025-02-27.

Allele frequency attached by ClinVar (database versions not stated): gnomAD exomes 0.00001.
gnomAD v4.1: 3 of 1,612,526 alleles (0.00019%); highest among the groups gnomAD compares: South Asian, 0.0011%; no homozygotes.

Submissions (2):

Labcorp Genetics (formerly Invitae), Labcorp
Classification: Uncertain significance. Last evaluated: 2025-02-27. Review status: criteria provided, single submitter. Criteria: Invitae Variant Classification Sherloc (09022015). Collection method: clinical testing. Allele origin: germline.
Comment: This sequence change replaces leucine, which is neutral and non-polar, with phenylalanine, which is neutral and non-polar, at codon 1160 of the COL11A2 protein (p.Leu1160Phe). This variant is present in population databases (no rsID available, gnomAD 0.0009%). This variant has not been reported in the literature in individuals affected with COL11A2-related conditions. ClinVar contains an entry for this variant (Variation ID: 451714). Invitae Evidence Modeling of protein sequence and biophysical properties (such as structural, functional, and spatial information, amino acid conservation, physicochemical variation, residue mobility, and thermodynamic stability) indicates that this missense variant is not expected to disrupt COL11A2 protein function with a negative predictive value of 95%. In summary, the available evidence is currently insufficient to determine the role of this variant in disease. Therefore, it has been classified as a Variant of Uncertain Significance.

GeneDx
Classification: Uncertain significance. Last evaluated: 2017-09-11. Review status: criteria provided, single submitter. Criteria: GeneDx Variant Classification (06012015). Collection method: clinical testing. Allele origin: germline. Affected: yes.
Comment: The L1160F variant in the COL11A2 gene has not been reported previously as a pathogenic variant, nor as a benign variant, to our knowledge. The L1160F variant is not observed in large population cohorts (Lek et al., 2016; 1000 Genomes Consortium et al., 2015; Exome Variant Server). The L1160F variant is a conservative amino acid substitution, which is not likely to impact secondary protein structure as these residues share similar properties. This substitution occurs at a position that is conserved across species. In silico analysis predicts this variant is probably damaging to the protein structure/function. We interpret L1160F as a variant of uncertain significance.